The following is an entry in ClinVar:

NM_003283.6(TNNT1):c.751-16T>C

Gene: TNNT1 (troponin T1, slow skeletal type; minus strand). Cytogenetic location: 19q13.42.
Variant type: single nucleotide variant.
Coding change: c.751-16T>C on transcript NM_003283.6 (MANE Select); 16 bases into the intron before coding-DNA position 751, T replaced by C.
Molecular consequence: intron variant.
Genome position (GRCh38, 1-based): chr19:55,133,943, A>G on the plus strand (T>C on the coding strand, the complement: TNNT1 is on the minus strand). VCF-style: chr19-55133943-A-G. GRCh37 (hg19) VCF-style: chr19-55645311-A-G.
Other names: c.670-16T>C (NM_001126133.3, NM_001291774.2); c.703-16T>C (NM_001126132.3).
Identifiers: ClinVar variation 259033 (VCV000259033.11), dbSNP rs77273500, ClinGen allele CA9667277.

ClinVar aggregate classification (germline): Benign. Review status: criteria provided, multiple submitters, no conflicts (2 of 4 stars). 4 submissions from 4 submitters: Benign (4). Last evaluated 2026-02-02.

Conditions:
Nemaline myopathy 5 (NEM5A). Also called: NEMALINE MYOPATHY 5A, AUTOSOMAL RECESSIVE, SEVERE INFANTILE; NEMALINE MYOPATHY, AMISH TYPE; Nemaline myopathy 5, Amish type. Identifiers: Orphanet 98902, MedGen C1854380, MONDO:0011539, OMIM 605355.

Allele frequency attached by ClinVar (database versions not stated): gnomAD exomes 0.00313 and 0.00871; ExAC 0.01092; 1000 Genomes Project 0.03175; gnomAD 0.03402 and 0.03649; 1000 Genomes Project 30x 0.03654; ESP Exome Variant Server 0.03775; TOPMed 0.03843.
gnomAD v4.1: 9,919 of 1,612,642 alleles (0.62%); highest among the groups gnomAD compares: African/African-American, 12%; 516 homozygotes.

Submissions (4):

Labcorp Genetics (formerly Invitae), Labcorp
Classification: Benign for Nemaline myopathy 5. Last evaluated: 2026-02-02. Review status: criteria provided, single submitter. Criteria: Invitae Variant Classification Sherloc (09022015). Collection method: clinical testing. Allele origin: germline.

GeneDx
Classification: Benign. Last evaluated: 2016-03-25. Review status: criteria provided, single submitter. Criteria: GeneDx Variant Classification (06012015). Collection method: clinical testing. Allele origin: germline. Affected: yes.
Comment: This variant is considered likely benign or benign based on one or more of the following criteria: it is a conservative change, it occurs at a poorly conserved position in the protein, it is predicted to be benign by multiple in silico algorithms, and/or has population frequency not consistent with disease.

Breakthrough Genomics
Classification: Benign. Review status: criteria provided, single submitter. Criteria: ACMG Guidelines, 2015. Collection method: not provided. Allele origin: germline. Inheritance: Autosomal recessive inheritance. Affected: yes.

PreventionGenetics, part of Exact Sciences
Classification: Benign. Review status: criteria provided, single submitter. Criteria: ACMG Guidelines, 2015. Collection method: clinical testing. Allele origin: germline.